The following is an entry in ClinVar:

NM_000543.5(SMPD1):c.1788T>A (p.Cys596Ter)

Gene: SMPD1 (sphingomyelin phosphodiesterase 1; plus strand). Cytogenetic location: 11p15.4.
Variant type: single nucleotide variant.
Coding change: c.1788T>A on transcript NM_000543.5 (MANE Select); coding-DNA position 1788, T replaced by A.
Protein change: p.Cys596Ter; replaces cysteine 596 with a stop codon.
Molecular consequence: nonsense. On other transcripts: 3 prime UTR variant (1), non-coding transcript variant (2).
Genome position (GRCh38, 1-based): chr11:6,394,499, T>A. VCF-style: chr11-6394499-T-A. GRCh37 (hg19) VCF-style: chr11-6415729-T-A.
Other names: p.Cys596Ter; c.1785T>A, p.Cys595Ter (NM_001007593.3); c.*281T>A (NM_001318087.2); c.867T>A, p.Cys289Ter (NM_001318088.2); c.1656T>A, p.Cys552Ter (NM_001365135.2); short protein forms C289*, C552*, C595*, C596*.
Identifiers: ClinVar variation 3338296 (VCV003338296.2).

ClinVar aggregate classification (germline): Pathogenic (1 of 4 stars; one submission).

Conditions:
Niemann-Pick disease, type A. Also called: Infantile Neurovisceral ASMD (Niemann-Pick Disease Type A; NPD-A); SPHINGOMYELIN LIPIDOSIS; SPHINGOMYELINASE DEFICIENCY. Identifiers: Orphanet 77292, MedGen C0268242, MONDO:0009756, OMIM 257200. Disease mechanism: loss of function.

gnomAD v4.1: 1 of 1,613,390 alleles (0.000062%); highest among the groups gnomAD compares: South Asian, 0.0011%; no homozygotes.

Submission:

Foundation for Research in Genetics and Endocrinology, FRIGE's Institute of Human Genetics
Classification: Pathogenic for Niemann-Pick disease, type A. Last evaluated: 2024-08-23. Review status: criteria provided, single submitter. Criteria: ACMG Guidelines, 2015. Collection method: clinical testing. Allele origin: germline. Inheritance: Autosomal recessive inheritance. Affected: yes. Observed: 1 homozygote.
Comment: A homozygous nonsense variant in exon 6 of the SMPD1 gene that results in a stop codon and premature truncation of the protein at codon 596 (p.Cys596Ter) was detected. This variant has not been reported in the 1000 genomes and gnomAD database. The in-silico predictions of the variant is damaging by MutationTaster2. In summary the variant meets our criteria to be classified as pathogenic.